The following is an entry in ClinVar:

ClinVar aggregate classification (germline): Conflicting classifications of pathogenicity. Review status: criteria provided, conflicting classifications (1 of 4 stars). 8 submissions from 8 submitters: Uncertain significance (6); Likely benign (2). Last evaluated 2026-07-21.

Conditions:
Hereditary cancer. Identifiers: MedGen C1333600.
MET-related disorder. Also called: MET-related condition.
Renal cell carcinoma. Identifiers: Orphanet 217071, MedGen C0007134, MeSH D002292, MONDO:0005086, HP:0005584.
Hereditary cancer-predisposing syndrome. Also called: Neoplastic Syndromes, Hereditary; Tumor predisposition; Hereditary Cancer Syndrome; Hereditary neoplastic syndrome. Identifiers: Orphanet 140162, MedGen C0027672, MeSH D009386, MONDO:0015356.

Allele frequency attached by ClinVar (database versions not stated): ExAC 0.00002; gnomAD exomes 0.00002; gnomAD 0.00005; TOPMed 0.00007.
gnomAD v4.1: 37 of 1,613,924 alleles (0.0023%); highest among the groups gnomAD compares: Admixed American, 0.0083%; no homozygotes.

Submissions (8):

PreventionGenetics, part of Exact Sciences
Classification: Uncertain significance for MET-related condition. Last evaluated: 2026-07-21. Review status: criteria provided, single submitter. Criteria: ACMG Guidelines, 2015. Collection method: clinical testing. Allele origin: germline.
Comment: The MET c.100G>A variant is predicted to result in the amino acid substitution p.Glu34Lys. To our knowledge, this variant has not been reported in the literature. This variant is reported in 0.0033% of alleles in individuals of South Asian descent in gnomAD. This variant has interpretations of uncertain significance and likely benign in ClinVar (Variation ID: 411897). At this time, the clinical significance of this variant is uncertain due to the absence of conclusive functional and genetic evidence.

Labcorp Genetics (formerly Invitae), Labcorp
Classification: Uncertain significance for Renal cell carcinoma. Last evaluated: 2026-01-26. Review status: criteria provided, single submitter. Criteria: Invitae Variant Classification Sherloc (09022015). Collection method: clinical testing. Allele origin: germline.
Comment: This sequence change replaces glutamic acid, which is acidic and polar, with lysine, which is basic and polar, at codon 34 of the MET protein (p.Glu34Lys). This variant is present in population databases (rs764246939, gnomAD 0.004%). This variant has not been reported in the literature in individuals affected with MET-related conditions. ClinVar contains an entry for this variant (Variation ID: 411897). Invitae Evidence Modeling of protein sequence and biophysical properties (such as structural, functional, and spatial information, amino acid conservation, physicochemical variation, residue mobility, and thermodynamic stability) indicates that this missense variant is not expected to disrupt MET protein function with a negative predictive value of 80%. In summary, the available evidence is currently insufficient to determine the role of this variant in disease. Therefore, it has been classified as a Variant of Uncertain Significance.

Quest Diagnostics Nichols Institute San Juan Capistrano
Classification: Uncertain significance. Last evaluated: 2025-08-05. Review status: criteria provided, single submitter. Criteria: Quest Diagnostics criteria. Collection method: clinical testing. Allele origin: unknown.

Dasa
Classification: Uncertain significance. Last evaluated: 2025-06-27. Review status: criteria provided, single submitter. Criteria: DASA Assertion Criteria. Collection method: clinical testing. Allele origin: germline.
Comment: NM_000245.4(MET):c.100G>A (p.Glu34Lys) is a missense variant that results in the substitution of glutamic acid with lysine. This variant is rare in population databases. Computational prediction algorithms are consistent with a benign effect. The currently available literature and clinical evidence are not sufficient to establish a definitive association between this variant and the reported condition. Therefore, this variant is classified as a variant of uncertain significance.

Center for Genomic Medicine, Rigshospitalet, Copenhagen University Hospital
Classification: Uncertain significance. Last evaluated: 2025-03-04. Review status: criteria provided, single submitter. Criteria: ACMG Guidelines, 2015. Collection method: clinical testing. Allele origin: germline.

Mendelics
Classification: Likely benign for Hereditary cancer. Last evaluated: 2024-01-23. Review status: criteria provided, single submitter. Criteria: ACMG Guidelines, 2015. Collection method: clinical testing. Allele origin: unknown.

GeneDx
Classification: Uncertain significance. Last evaluated: 2023-09-19. Review status: criteria provided, single submitter. Criteria: GeneDx Variant Classification Process June 2021. Collection method: clinical testing. Allele origin: germline. Affected: yes.
Comment: Not observed at significant frequency in large population cohorts (gnomAD); In silico analysis supports that this missense variant does not alter protein structure/function; Has not been previously published as pathogenic or benign to our knowledge; This variant is associated with the following publications: (PMID: 25605252)

Ambry Genetics
Classification: Likely benign for Hereditary cancer-predisposing syndrome. Last evaluated: 2022-05-25. Review status: criteria provided, single submitter. Criteria: Ambry Variant Classification Scheme 2023. Collection method: clinical testing. Allele origin: germline.

NM_000245.4(MET):c.100G>A (p.Glu34Lys)

Gene: MET (MET proto-oncogene, receptor tyrosine kinase; plus strand). Cytogenetic location: 7q31.2.
Variant type: single nucleotide variant.
Coding change: c.100G>A on transcript NM_000245.4 (MANE Select); coding-DNA position 100, G replaced by A.
Protein change: p.Glu34Lys; replaces glutamic acid 34 with lysine.
Molecular consequence: missense variant. On other transcripts: intron variant (1).
Genome position (GRCh38, 1-based): chr7:116,699,184, G>A. VCF-style: chr7-116699184-G-A. GRCh37 (hg19) VCF-style: chr7-116339238-G-A.
Other names: c.100G>A, p.Glu34Lys (NM_001127500.3, NM_001324401.3); c.-91+26607G>A (NM_001324402.2); c.100G>A (NM_001127500.2); short protein forms E34K.
Identifiers: ClinVar variation 411897 (VCV000411897.22), dbSNP rs764246939, ClinGen allele CA4447945.